The following is an entry in ClinVar:

NM_001283009.2(RTEL1):c.920-13T>A

Genes: RTEL1 (regulator of telomere elongation helicase 1; plus strand), RTEL1-TNFRSF6B (RTEL1-TNFRSF6B readthrough (NMD candidate); plus strand). Cytogenetic location: 20q13.33.
Variant type: single nucleotide variant.
Coding change: c.920-13T>A on transcript NM_001283009.2 (MANE Select); 13 bases into the intron before coding-DNA position 920, T replaced by A.
Molecular consequence: intron variant.
Genome position (GRCh38, 1-based): chr20:63,678,132, T>A. VCF-style: chr20-63678132-T-A. GRCh37 (hg19) VCF-style: chr20-62309485-T-A.
Other names: c.251-13T>A (NM_001283010.1); c.992-13T>A (NM_032957.5); c.920-13T>A (NM_016434.4).
Identifiers: ClinVar variation 3762139 (VCV003762139.2).

ClinVar aggregate classification (germline): Uncertain significance (1 of 4 stars; one submission).

Conditions:
Dyskeratosis congenita, autosomal recessive 5 (DKCB5). Identifiers: MedGen C3554656, MONDO:0014076, OMIM 615190.
Pulmonary fibrosis and/or bone marrow failure, Telomere-related, 3. Also called: PULMONARY FIBROSIS AND/OR BONE MARROW FAILURE SYNDROME, TELOMERE-RELATED, 3. Identifiers: Orphanet 2032, MedGen C4225346, MONDO:0014613, OMIM 616373.

gnomAD v4.1: 1 of 1,614,184 alleles (0.000062%); highest among the groups gnomAD compares: Non-Finnish European, 0.000085%; no homozygotes.

Submission:

Labcorp Genetics (formerly Invitae), Labcorp
Classification: Uncertain significance for Dyskeratosis congenita, autosomal recessive 5; Pulmonary fibrosis and/or bone marrow failure, Telomere-related, 3. Last evaluated: 2024-09-29. Review status: criteria provided, single submitter. Criteria: Invitae Variant Classification Sherloc (09022015). Collection method: clinical testing. Allele origin: germline.
Comment: This sequence change falls in intron 10 of the RTEL1 gene. It does not directly change the encoded amino acid sequence of the RTEL1 protein. This variant is present in population databases (no rsID available, gnomAD 0.007%). This variant has not been reported in the literature in individuals affected with RTEL1-related conditions. Algorithms developed to predict the effect of sequence changes on RNA splicing suggest that this variant may disrupt the consensus splice site. In summary, the available evidence is currently insufficient to determine the role of this variant in disease. Therefore, it has been classified as a Variant of Uncertain Significance.